The following is an entry in ClinVar:

ClinVar aggregate classification (germline): Uncertain significance. Review status: criteria provided, multiple submitters, no conflicts (2 of 4 stars). 2 submissions from 2 submitters: Uncertain significance (2). Last evaluated 2026-01-19.

Conditions:
Hereditary cancer-predisposing syndrome. Also called: Tumor predisposition; Hereditary Cancer Syndrome; Neoplastic Syndromes, Hereditary; Hereditary neoplastic syndrome. Identifiers: Orphanet 140162, MedGen C0027672, MeSH D009386, MONDO:0015356.
Gorlin syndrome. Also called: Basal cell nevus syndrome; Nevoid Basal Cell Carcinoma Syndrome. Identifiers: Orphanet 377, MedGen C0004779, MONDO:0007187.

Allele frequency attached by ClinVar (database versions not stated): gnomAD 0.00003; TOPMed below 0.00001; ExAC 0.00001; gnomAD exomes 0.00002.
gnomAD v4.1: 14 of 1,611,616 alleles (0.00087%); highest among the groups gnomAD compares: Admixed American, 0.0017%; no homozygotes.

Submissions (2):

Labcorp Genetics (formerly Invitae), Labcorp
Classification: Uncertain significance for Gorlin syndrome. Last evaluated: 2026-01-19. Review status: criteria provided, single submitter. Criteria: Invitae Variant Classification Sherloc (09022015). Collection method: clinical testing. Allele origin: germline.
Comment: This sequence change replaces alanine, which is neutral and non-polar, with threonine, which is neutral and polar, at codon 70 of the PTCH1 protein (p.Ala70Thr). This variant is present in population databases (rs753960393, gnomAD 0.003%). This variant has not been reported in the literature in individuals affected with PTCH1-related conditions. ClinVar contains an entry for this variant (Variation ID: 453814). Invitae Evidence Modeling of protein sequence and biophysical properties (such as structural, functional, and spatial information, amino acid conservation, physicochemical variation, residue mobility, and thermodynamic stability) has been performed for this missense variant. However, the output from this modeling did not meet the statistical confidence thresholds required to predict the impact of this variant on PTCH1 protein function. In summary, the available evidence is currently insufficient to determine the role of this variant in disease. Therefore, it has been classified as a Variant of Uncertain Significance.

Ambry Genetics
Classification: Uncertain significance for Hereditary cancer-predisposing syndrome. Last evaluated: 2025-08-01. Review status: criteria provided, single submitter. Criteria: Ambry Variant Classification Scheme 2023. Collection method: clinical testing. Allele origin: germline.
Comment: The p.A70T variant (also known as c.208G>A), located in coding exon 2 of the PTCH1 gene, results from a G to A substitution at nucleotide position 208. The alanine at codon 70 is replaced by threonine, an amino acid with similar properties. This amino acid position is highly conserved in available vertebrate species. In addition, this alteration is predicted to be deleterious by in silico analysis. Since supporting evidence is limited at this time, the clinical significance of this alteration remains unclear.

NM_000264.5(PTCH1):c.208G>A (p.Ala70Thr)

Gene: PTCH1 (patched 1; minus strand). Cytogenetic location: 9q22.32.
Variant type: single nucleotide variant.
Coding change: c.208G>A on transcript NM_000264.5 (MANE Select); coding-DNA position 208, G replaced by A.
Protein change: p.Ala70Thr; replaces alanine 70 with threonine.
Molecular consequence: missense variant. On other transcripts: 5 prime UTR variant (4), non-coding transcript variant (1).
Genome position (GRCh38, 1-based): chr9:95,506,593, C>T on the plus strand (G>A on the coding strand, the complement: PTCH1 is on the minus strand). VCF-style: chr9-95506593-C-T. GRCh37 (hg19) VCF-style: chr9-98268875-C-T.
Other names: c.10G>A, p.Ala4Thr (NM_001083602.3, NM_001354919.2); c.205G>A, p.Ala69Thr (NM_001083603.3); c.-246G>A (NM_001083604.3, NM_001083605.3, NM_001083606.3 and 1 more transcripts); c.208G>A, p.Ala70Thr (NM_001354918.2); short protein forms A4T, A70T, A69T.
Identifiers: ClinVar variation 453814 (VCV000453814.22), dbSNP rs753960393, ClinGen allele CA5139000.